The following is an entry in ClinVar:

NM_000520.6(HEXA):c.103del (p.Gln35fs)

Gene: HEXA (hexosaminidase subunit alpha; minus strand). Cytogenetic location: 15q23.
Variant type: Deletion.
Coding change: c.103del on transcript NM_000520.6 (MANE Select); coding-DNA position 103, one base deleted (C; older notation c.103delC).
Protein change: p.Gln35fs; shifts the reading frame from glutamine 35.
Molecular consequence: frameshift variant. On other transcripts: non-coding transcript variant (1).
Genome position (GRCh38, 1-based): chr15:72,375,870, G deleted on the plus strand (C on the coding strand, the reverse complement: HEXA is on the minus strand); the first of 2 consecutive G bases (chr15:72,375,870-72,375,871); deleting either gives the same sequence. VCF-style (leftmost placement, unchanged base first): chr15-72375869-TG-T. GRCh37 (hg19) VCF-style: chr15-72668210-TG-T.
Other names: c.103del, p.Gln35fs (NM_001318825.2); short protein forms Q35fs.
Identifiers: ClinVar variation 1726744 (VCV001726744.2), dbSNP rs2542582237, ClinGen allele CA2580089943.

ClinVar aggregate classification (germline): Likely pathogenic (1 of 4 stars; one submission).

Conditions:
Tay-Sachs disease (TSD). Also called: GM2 gangliosidosis, type 1; Hexosaminidase alpha-subunit deficiency (variant B); Sphingolipidosis, Tay-Sachs; Hexosaminidase A Deficiency; HEXA DEFICIENCY; HEXA Disorders. Identifiers: Orphanet 845, MedGen C0039373, MONDO:0010100, OMIM 272800.

Submission:

Myriad Genetics, Inc.
Classification: Likely pathogenic for Tay-Sachs disease. Last evaluated: 2021-12-31. Review status: criteria provided, single submitter. Criteria: Myriad Women's Health Autosomal Recessive and X-Linked Classification Criteria (2021). Collection method: clinical testing. Allele origin: unknown.
Comment: NM_000520.4(HEXA):c.103delC(Q35Sfs*65) is expected to be pathogenic in the context of hexosaminidase A deficiency. This variant is predicted to lead to an abnormal or absent protein product due to the creation of a premature termination codon in HEXA, a gene where loss-of-function variants are known to be pathogenic. Please note: this variant was assessed in the context of healthy population screening.